The following is an entry in ClinVar:

ClinVar aggregate classification (germline): Pathogenic (1 of 4 stars; one submission).

Conditions:
Primary ciliary dyskinesia. Also called: Ciliary dyskinesia. Identifiers: Orphanet 244, MedGen C0008780, MONDO:0016575, HP:0012265.

Submission:

Labcorp Genetics (formerly Invitae), Labcorp
Classification: Pathogenic for Primary ciliary dyskinesia. Last evaluated: 2023-05-22. Review status: criteria provided, single submitter. Criteria: Invitae Variant Classification Sherloc (09022015). Collection method: clinical testing. Allele origin: germline.
Comment: This variant is a gross deletion of the genomic region encompassing exon(s) 5-13 of the DNAAF5 gene, which includes the termination codon. This deletion extends beyond the assayed region for this gene and therefore may encompass additional genes. While this deletion is not anticipated to lead to nonsense mediated decay, it is expected to alter mRNA translation or result in a truncated protein product. This variant has not been reported in the literature in individuals affected with DNAAF5-related conditions. The region of the DNAAF5 gene that includes exon(s) 13 has been determined to be clinically significant (Invitae). Therefore, deletions that encompass that region are likely to be disease-causing. For these reasons, this variant has been classified as Pathogenic.

NC_000007.13:g.(?_794206)_(825290_?)del

Gene: DNAAF5 (dynein axonemal assembly factor 5; plus strand). Cytogenetic location: 7p22.3.
Variant type: Deletion.
Identifiers: ClinVar variation 1459975 (VCV001459975.14).